The following is an entry in ClinVar:

ClinVar aggregate classification (germline): Uncertain significance (1 of 4 stars; one submission).

Conditions:
Nephronophthisis. Also called: Juvenile Nephronophthisis. Identifiers: Orphanet 655, MedGen C0687120, MONDO:0019005, HP:0000090.

Allele frequency attached by ClinVar (database versions not stated): TOPMed 0.00001.

Submission:

Labcorp Genetics (formerly Invitae), Labcorp
Classification: Uncertain significance for Nephronophthisis. Last evaluated: 2020-04-10. Review status: criteria provided, single submitter. Criteria: Invitae Variant Classification Sherloc (09022015). Collection method: clinical testing. Allele origin: germline.
Comment: Algorithms developed to predict the effect of missense changes on protein structure and function are either unavailable or do not agree on the potential impact of this missense change (SIFT: "Deleterious"; PolyPhen-2: "Possibly Damaging"; Align-GVGD: "Class C0"). In summary, the available evidence is currently insufficient to determine the role of this variant in disease. Therefore, it has been classified as a Variant of Uncertain Significance. This variant has not been reported in the literature in individuals with NPHP3-related conditions. This variant is not present in population databases (ExAC no frequency). This sequence change replaces lysine with arginine at codon 1195 of the NPHP3 protein (p.Lys1195Arg). The lysine residue is highly conserved and there is a small physicochemical difference between lysine and arginine.

NM_153240.5(NPHP3):c.3584A>G (p.Lys1195Arg)

Genes: NPHP3-ACAD11 (NPHP3-ACAD11 readthrough (NMD candidate); minus strand), NPHP3 (nephrocystin 3; minus strand). Cytogenetic location: 3q22.1.
Variant type: single nucleotide variant.
Coding change: c.3584A>G on transcript NM_153240.5 (MANE Select); coding-DNA position 3584, A replaced by G.
Protein change: p.Lys1195Arg; replaces lysine 1195 with arginine.
Molecular consequence: missense variant. On other transcripts: non-coding transcript variant (1).
Genome position (GRCh38, 1-based): chr3:132,683,511, T>C on the plus strand (A>G on the coding strand, the complement: NPHP3 is on the minus strand). VCF-style: chr3-132683511-T-C. GRCh37 (hg19) VCF-style: chr3-132402355-T-C.
Other names: short protein forms K1195R.
Identifiers: ClinVar variation 1025742 (VCV001025742.8), dbSNP rs902755372, ClinGen allele CA83581222.
Genomic context (GRCh38, chr3:132,683,511, plus strand): 5'-TGCTTTGGGCCAAAAGATTTCTGTCGAATTTCAACAGCCAATTCATACAAAGGTACAGCT[T>C]TGTCAAGTTTCCCCTAAAAAACAAGAGTTAAATCTAACAAAAATATAAGGCAATAAATAC-3'
Protein context (NP_694972.3, residues 1185-1205): ILYKKMGKLD[Lys1195Arg]AVPLYELAVE